The following is an entry in ClinVar:

NM_001127898.4(CLCN5):c.1796C>T (p.Thr599Ile)

Genes: CLCN5 (chloride voltage-gated channel 5; plus strand), LOC126863258 (BRD4-independent group 4 enhancer GRCh37_chrX:49854497-49855696; plus strand). Cytogenetic location: Xp11.23.
Variant type: single nucleotide variant.
Coding change: c.1796C>T on transcript NM_001127898.4 (MANE Select); coding-DNA position 1796, C replaced by T.
Protein change: p.Thr599Ile; replaces threonine 599 with isoleucine.
Molecular consequence: missense variant.
Genome position (GRCh38, 1-based): chrX:50,090,167, C>T. VCF-style: chrX-50090167-C-T. GRCh37 (hg19) VCF-style: chrX-49854824-C-T.
Other names: c.1586C>T, p.Thr529Ile (NM_000084.5); c.1796C>T, p.Thr599Ile (NM_001127899.4); c.1646C>T, p.Thr549Ile (NM_001282163.2); short protein forms T529I, T599I, T549I.
Identifiers: ClinVar variation 429927 (VCV000429927.2), dbSNP rs1131691678, ClinGen allele CA413188875.

ClinVar aggregate classification (germline): Likely pathogenic (1 of 4 stars; one submission).

Submission:

GeneDx
Classification: Likely pathogenic. Last evaluated: 2015-11-03. Review status: criteria provided, single submitter. Criteria: GeneDx Variant Classification (06012015). Collection method: clinical testing. Allele origin: germline. Affected: yes.
Comment: The T529I variant has not been published as a pathogenic variant, nor has it been reported as a benign variant to our knowledge. The variant was not observed in approximately 6,500 individuals of European and African American ancestry in the NHLBI Exome Sequencing Project, indicating it is not a common benign variant in these populations. T529I is a non-conservative amino acid substitution, which is likely to impact secondary protein structure as these residues differ in polarity, charge, size and/or other properties. This substitution occurs at a position within the helical intramembrane domain that is conserved across species, and which shows a low rate of benign missense changes. In silico analysis predicts this variant is probably damaging to the protein structure/function. Missense variants in nearby residues (I524K, E527D) have been reported in the Human Gene Mutation Database in association with CLCN5-related disorders (Stenson et al., 2014), supporting the functional importance of this region of the protein. Additionally, other variants in nearby residues (I524K, M525R, E527D) have been seen at GeneDx in affected individuals. Therefore, this variant is likely pathogenic; however, the possibility that it is benign cannot be excluded.